The following is an entry in ClinVar:

ClinVar aggregate classification (germline): Benign/Likely benign. Review status: criteria provided, multiple submitters, no conflicts (2 of 4 stars). 8 submissions from 8 submitters: Benign (7); Likely benign (1). Last evaluated 2026-01-31.

Conditions:
Bethlem myopathy 1A. Also called: MYOPATHY, BENIGN CONGENITAL, WITH CONTRACTURES; Bethlem myopathy 1; Bethlem Muscular Dystrophy. Identifiers: Orphanet 610, MedGen CN029274, MONDO:0024530, OMIM 158810.
Ullrich congenital muscular dystrophy 1A. Also called: Intermediate COL6-RD; Ullrich congenital muscular dystrophy 1. Identifiers: Orphanet 75840, MedGen C0410179, MONDO:0009681, OMIM 254090.
Dystonia 27 (DYT27). Identifiers: Orphanet 464440, MedGen C4225336, MONDO:0014627, OMIM 616411.
Collagen 6-related myopathy. Identifiers: MedGen CN117976, MONDO:0100225.

Allele frequency attached by ClinVar (database versions not stated): 1000 Genomes Project 30x 0.00796; ESP Exome Variant Server 0.00838; TOPMed 0.00704; gnomAD 0.00703 and 0.00637; 1000 Genomes Project 0.00739.
gnomAD v4.1: 2,059 of 1,614,152 alleles (0.13%); highest among the groups gnomAD compares: African/African-American, 2.1%; 14 homozygotes.

Submissions (8):

Labcorp Genetics (formerly Invitae), Labcorp
Classification: Benign for Bethlem myopathy 1A. Last evaluated: 2026-01-31. Review status: criteria provided, single submitter. Criteria: Invitae Variant Classification Sherloc (09022015). Collection method: clinical testing. Allele origin: germline.

Fulgent Genetics
Classification: Likely benign for Bethlem myopathy 1A; Ullrich congenital muscular dystrophy 1A; Dystonia 27. Last evaluated: 2021-08-06. Review status: criteria provided, single submitter. Criteria: ACMG Guidelines, 2015. Collection method: clinical testing. Allele origin: unknown.

Mayo Clinic Laboratories, Mayo Clinic
Classification: Benign. Last evaluated: 2019-02-22. Review status: criteria provided, single submitter. Criteria: ACMG Guidelines, 2015. Collection method: clinical testing. Allele origin: germline. Observed: 3 variant alleles.

GeneDx
Classification: Benign. Last evaluated: 2018-05-09. Review status: criteria provided, single submitter. Criteria: GeneDx Variant Classification Process June 2021. Collection method: clinical testing. Allele origin: germline. Affected: yes.
Comment: This variant is associated with the following publications: (PMID: 15689448)

Illumina Laboratory Services, Illumina
Classification: Benign for Collagen VI-related myopathy. Last evaluated: 2018-01-13. Review status: criteria provided, single submitter. Criteria: ICSL Variant Classification Criteria 13 December 2019. Collection method: clinical testing. Allele origin: germline.
Comment: This variant was observed in the ICSL laboratory as part of a predisposition screen in an ostensibly healthy population. It had not been previously curated by ICSL or reported in the Human Gene Mutation Database (HGMD: prior to June 1st, 2018), and was therefore a candidate for classification through an automated scoring system. Utilizing variant allele frequency, disease prevalence and penetrance estimates, and inheritance mode, an automated score was calculated to assess if this variant is too frequent to cause the disease. Based on the score and internal cut-off values, a variant classified as benign is not then subjected to further curation. The score for this variant resulted in a classification of benign for this disease.

Eurofins Ntd Llc (ga)
Classification: Benign. Last evaluated: 2013-01-02. Review status: criteria provided, single submitter. Criteria: EGL Classification Definitions 2015. Collection method: clinical testing. Allele origin: germline. Observed: 1 variant allele, 1 heterozygote.

Breakthrough Genomics
Classification: Benign. Review status: criteria provided, single submitter. Criteria: ACMG Guidelines, 2015. Collection method: not provided. Allele origin: germline. Inheritance: Autosomal recessive inheritance. Affected: yes.

PreventionGenetics, part of Exact Sciences
Classification: Benign. Review status: criteria provided, single submitter. Criteria: ACMG Guidelines, 2015. Collection method: clinical testing. Allele origin: germline.

NM_004369.4(COL6A3):c.5059C>T (p.Pro1687Ser)

Gene: COL6A3 (collagen type VI alpha 3 chain; minus strand). Cytogenetic location: 2q37.3.
Variant type: single nucleotide variant.
Coding change: c.5059C>T on transcript NM_004369.4 (MANE Select); coding-DNA position 5059, C replaced by T.
Protein change: p.Pro1687Ser; replaces proline 1687 with serine.
Molecular consequence: missense variant.
Genome position (GRCh38, 1-based): chr2:237,367,128, G>A on the plus strand (C>T on the coding strand, the complement: COL6A3 is on the minus strand). VCF-style: chr2-237367128-G-A. GRCh37 (hg19) VCF-style: chr2-238275771-G-A.
Other names: c.3238C>T, p.Pro1080Ser (NM_057166.5); c.4441C>T, p.Pro1481Ser (NM_057167.4); short protein forms P1080S, P1481S.
Identifiers: ClinVar variation 94942 (VCV000094942.23), dbSNP rs35273032, ClinGen allele CA147980.
Genomic context (GRCh38, chr2:237,367,128, plus strand): 5'-TGATGGCGTCAATAATCTGCCTCTTGGTAGAGAAGTCCTTCAGGAAGAATTCGTCAGTGG[G>A]GTCAGAGTTGTACTGGACAAGCCCCACTTGGATGGAGTCGCCATCTTCATAAACTGTGTC-3'
Protein context (NP_004360.2, residues 1677-1697): QVGLVQYNSD[Pro1687Ser]TDEFFLKDFS